The following is an entry in ClinVar:

NM_198576.4(AGRN):c.4526G>A (p.Arg1509Gln)

Gene: AGRN (agrin; plus strand). Cytogenetic location: 1p36.33.
Variant type: single nucleotide variant.
Coding change: c.4526G>A on transcript NM_198576.4 (MANE Select); coding-DNA position 4526, G replaced by A.
Protein change: p.Arg1509Gln; replaces arginine 1509 with glutamine.
Molecular consequence: missense variant.
Genome position (GRCh38, 1-based): chr1:1,049,577, G>A. VCF-style: chr1-1049577-G-A. GRCh37 (hg19) VCF-style: chr1-984957-G-A.
Other names: c.4526G>A, p.Arg1509Gln (NM_001305275.2); c.4211G>A, p.Arg1404Gln (NM_001364727.2); short protein forms R1509Q, R1404Q.
Identifiers: ClinVar variation 958304 (VCV000958304.9), dbSNP rs371477631, ClinGen allele CA509524.

ClinVar aggregate classification (germline): Uncertain significance. Review status: criteria provided, multiple submitters, no conflicts (2 of 4 stars). 2 submissions from 2 submitters: Uncertain significance (2). Last evaluated 2025-01-09.

Conditions:
Congenital myasthenic syndrome 8. Also called: MYASTHENIC SYNDROME, CONGENITAL, DUE TO AGRIN DEFICIENCY; Myasthenic syndrome, congenital, 8, with pre- and postsynaptic defects. Identifiers: Orphanet 590, MedGen C3808739, MONDO:0014052, OMIM 615120.
Inborn genetic diseases. Identifiers: MedGen C0950123, MeSH D030342.

Allele frequency attached by ClinVar (database versions not stated): gnomAD 0.00007; ESP Exome Variant Server 0.00008; ExAC 0.00011; gnomAD exomes 0.00004; TOPMed 0.00004.
gnomAD v4.1: 72 of 1,589,646 alleles (0.0045%); highest among the groups gnomAD compares: African/African-American, 0.0094%; no homozygotes.

Submissions (2):

Ambry Genetics
Classification: Uncertain significance for Inborn genetic diseases. Last evaluated: 2025-01-09. Review status: criteria provided, single submitter. Criteria: Ambry Variant Classification Scheme 2023. Collection method: clinical testing. Allele origin: germline.

Labcorp Genetics (formerly Invitae), Labcorp
Classification: Uncertain significance for Congenital myasthenic syndrome 8. Last evaluated: 2024-08-12. Review status: criteria provided, single submitter. Criteria: Invitae Variant Classification Sherloc (09022015). Collection method: clinical testing. Allele origin: germline.
Comment: This sequence change replaces arginine, which is basic and polar, with glutamine, which is neutral and polar, at codon 1509 of the AGRN protein (p.Arg1509Gln). This variant is present in population databases (rs371477631, gnomAD 0.009%). This variant has not been reported in the literature in individuals affected with AGRN-related conditions. ClinVar contains an entry for this variant (Variation ID: 958304). An algorithm developed to predict the effect of missense changes on protein structure and function outputs the following: PolyPhen-2: "Possibly Damaging". The glutamine amino acid residue is found in multiple mammalian species, which suggests that this missense change does not adversely affect protein function. In summary, the available evidence is currently insufficient to determine the role of this variant in disease. Therefore, it has been classified as a Variant of Uncertain Significance.